The following is an entry in ClinVar:

ClinVar aggregate classification (germline): Uncertain significance. Review status: criteria provided, multiple submitters, no conflicts (2 of 4 stars). 2 submissions from 2 submitters: Uncertain significance (2). Last evaluated 2022-06-08.

Conditions:
Granulomatous disease, chronic, autosomal recessive, cytochrome b-positive, type 3. Also called: GRANULOMATOUS DISEASE, CHRONIC, DUE TO NCF4 DEFICIENCY; Granulomatous disease, chronic, autosomal recessive, cytochrome b-positive, type III; GRANULOMATOUS DISEASE, CHRONIC, AUTOSOMAL RECESSIVE, 3; CGD, AUTOSOMAL RECESSIVE CYTOCHROME b-POSITIVE, TYPE III. Identifiers: Orphanet 379, MedGen C3151409, MONDO:0013507, OMIM 613960.

Allele frequency attached by ClinVar (database versions not stated): gnomAD exomes 0.00001; ExAC 0.00002; gnomAD 0.00002; TOPMed 0.00002; ESP Exome Variant Server 0.00008.

Submissions (2):

Labcorp Genetics (formerly Invitae), Labcorp
Classification: Uncertain significance for Granulomatous disease, chronic, autosomal recessive, cytochrome b-positive, type 3. Last evaluated: 2022-06-08. Review status: criteria provided, single submitter. Criteria: Invitae Variant Classification Sherloc (09022015). Collection method: clinical testing. Allele origin: germline.
Comment: This sequence change replaces isoleucine, which is neutral and non-polar, with leucine, which is neutral and non-polar, at codon 226 of the NCF4 protein (p.Ile226Leu). This variant is present in population databases (rs368429862, gnomAD 0.003%). This variant has not been reported in the literature in individuals affected with NCF4-related conditions. Algorithms developed to predict the effect of missense changes on protein structure and function are either unavailable or do not agree on the potential impact of this missense change (SIFT: "Deleterious"; PolyPhen-2: "Benign"; Align-GVGD: "Class C0"). In summary, the available evidence is currently insufficient to determine the role of this variant in disease. Therefore, it has been classified as a Variant of Uncertain Significance.

Ambry Genetics
Classification: Uncertain significance. Last evaluated: 2021-08-16. Review status: criteria provided, single submitter. Criteria: Ambry Variant Classification Scheme 2023. Collection method: clinical testing. Allele origin: germline.

NM_000631.5(NCF4):c.676A>C (p.Ile226Leu)

Gene: NCF4 (neutrophil cytosolic factor 4; plus strand). Cytogenetic location: 22q12.3.
Variant type: single nucleotide variant.
Coding change: c.676A>C on transcript NM_000631.5 (MANE Select); coding-DNA position 676, A replaced by C.
Protein change: p.Ile226Leu; replaces isoleucine 226 with leucine.
Molecular consequence: missense variant.
Genome position (GRCh38, 1-based): chr22:36,875,701, A>C. VCF-style: chr22-36875701-A-C. GRCh37 (hg19) VCF-style: chr22-37271743-A-C.
Other names: c.676A>C, p.Ile226Leu (NM_013416.4); c.676A>C (NM_013416.3); short protein forms I226L.
Identifiers: ClinVar variation 1362461 (VCV001362461.6), dbSNP rs368429862, ClinGen allele CA10213133.